The following is an entry in ClinVar:

ClinVar aggregate classification (germline): Uncertain significance (1 of 4 stars; one submission).

gnomAD v4.1: 1 of 1,614,092 alleles (0.000062%); highest among the groups gnomAD compares: Non-Finnish European, 0.000085%; no homozygotes.

Submission:

Labcorp Genetics (formerly Invitae), Labcorp
Classification: Uncertain significance. Last evaluated: 2023-07-25. Review status: criteria provided, single submitter. Criteria: Invitae Variant Classification Sherloc (09022015). Collection method: clinical testing. Allele origin: germline.
Comment: In summary, the available evidence is currently insufficient to determine the role of this variant in disease. Therefore, it has been classified as a Variant of Uncertain Significance. Advanced modeling of protein sequence and biophysical properties (such as structural, functional, and spatial information, amino acid conservation, physicochemical variation, residue mobility, and thermodynamic stability) performed at Invitae indicates that this missense variant is expected to disrupt NSD1 protein function. This variant has not been reported in the literature in individuals affected with NSD1-related conditions. This variant is not present in population databases (gnomAD no frequency). This sequence change replaces valine, which is neutral and non-polar, with glycine, which is neutral and non-polar, at codon 1595 of the NSD1 protein (p.Val1595Gly).

NM_022455.5(NSD1):c.4784T>G (p.Val1595Gly)

Gene: NSD1 (nuclear receptor binding SET domain protein 1; plus strand). Cytogenetic location: 5q35.3.
Variant type: single nucleotide variant.
Coding change: c.4784T>G on transcript NM_022455.5 (MANE Select); coding-DNA position 4784, T replaced by G.
Protein change: p.Val1595Gly; replaces valine 1595 with glycine.
Molecular consequence: missense variant.
Genome position (GRCh38, 1-based): chr5:177,256,969, T>G. VCF-style: chr5-177256969-T-G. GRCh37 (hg19) VCF-style: chr5-176683970-T-G.
Other names: c.3911T>G, p.Val1304Gly (NM_001365684.2, NM_001409308.1, NM_001409309.1 and 1 more transcripts); c.4784T>G, p.Val1595Gly (NM_001409301.1, NM_001409302.1, NM_001409303.1); c.4364T>G, p.Val1455Gly (NM_001409304.1); c.4031T>G, p.Val1344Gly (NM_001409305.1); c.4022T>G, p.Val1341Gly (NM_001409306.1, NM_001409307.1); short protein forms V1304G, V1595G, V1341G, V1344G, V1455G.
Identifiers: ClinVar variation 3669172 (VCV003669172.2).